The following is an entry in ClinVar:

ClinVar aggregate classification (germline): Uncertain significance (1 of 4 stars; one submission).

Conditions:
Jeune thoracic dystrophy. Also called: Jeune syndrome; Infantile thoracic dystrophy; Thoracic pelvic phalangeal dystrophy; Jeune's syndrome; Chondroectodermal dysplasia-like syndrome; Short-rib thoracic dysplasia. Identifiers: Orphanet 474, MedGen C0265275, MONDO:0018770.

Allele frequency attached by ClinVar (database versions not stated): TOPMed below 0.00001; gnomAD exomes 0.00001; ExAC 0.00002.
gnomAD v4.1: 7 of 1,612,296 alleles (0.00043%); highest among the groups gnomAD compares: Non-Finnish European, 0.00059%; no homozygotes.

Submission:

Labcorp Genetics (formerly Invitae), Labcorp
Classification: Uncertain significance for Jeune thoracic dystrophy. Last evaluated: 2022-10-18. Review status: criteria provided, single submitter. Criteria: Invitae Variant Classification Sherloc (09022015). Collection method: clinical testing. Allele origin: germline.
Comment: This sequence change replaces valine, which is neutral and non-polar, with leucine, which is neutral and non-polar, at codon 703 of the DYNC2H1 protein (p.Val703Leu). This variant is present in population databases (rs756617104, gnomAD 0.004%). This variant has not been reported in the literature in individuals affected with DYNC2H1-related conditions. Algorithms developed to predict the effect of missense changes on protein structure and function are either unavailable or do not agree on the potential impact of this missense change (SIFT: "Deleterious"; PolyPhen-2: "Benign"; Align-GVGD: "Class C0"). Algorithms developed to predict the effect of sequence changes on RNA splicing suggest that this variant may create or strengthen a splice site. In summary, the available evidence is currently insufficient to determine the role of this variant in disease. Therefore, it has been classified as a Variant of Uncertain Significance.

NM_001377.3(DYNC2H1):c.2107G>T (p.Val703Leu)

Gene: DYNC2H1 (dynein cytoplasmic 2 heavy chain 1; plus strand). Cytogenetic location: 11q22.3.
Variant type: single nucleotide variant.
Coding change: c.2107G>T on transcript NM_001377.3 (MANE Select); coding-DNA position 2107, G replaced by T.
Protein change: p.Val703Leu; replaces valine 703 with leucine.
Molecular consequence: missense variant.
Genome position (GRCh38, 1-based): chr11:103,134,321, G>T. VCF-style: chr11-103134321-G-T. GRCh37 (hg19) VCF-style: chr11-103005050-G-T.
Other names: c.2107G>T, p.Val703Leu (NM_001080463.2); short protein forms V703L.
Identifiers: ClinVar variation 1965721 (VCV001965721.2), dbSNP rs756617104, ClinGen allele CA6252958.